The following is an entry in ClinVar:

ClinVar aggregate classification (germline): Benign/Likely benign. Review status: criteria provided, multiple submitters, no conflicts (2 of 4 stars). 3 submissions from 3 submitters: Benign (1); Likely benign (2). Last evaluated 2024-08-21.

Conditions:
Hereditary cancer-predisposing syndrome. Also called: Tumor predisposition; Hereditary Cancer Syndrome; Neoplastic Syndromes, Hereditary; Hereditary neoplastic syndrome. Identifiers: Orphanet 140162, MedGen C0027672, MeSH D009386, MONDO:0015356.
Familial cancer of breast. Also called: Hereditary breast cancer; BREAST CANCER, FAMILIAL; hereditary breast carcinoma. Identifiers: Orphanet 227535, MedGen C0346153, MONDO:0016419, OMIM 114480. Disease mechanism: loss of function.
Fanconi anemia complementation group J. Also called: BRIP1-Related Fanconi Anemia. Identifiers: Orphanet 84, MedGen C1836860, MONDO:0012187, OMIM 609054.

Submissions (3):

Myriad Genetics, Inc.
Classification: Benign for Familial cancer of breast. Last evaluated: 2024-08-21. Review status: criteria provided, single submitter. Criteria: Myriad Autosomal Dominant, Autosomal Recessive and X-Linked Classification Criteria (2023). Collection method: clinical testing. Allele origin: unknown.
Comment: This variant is considered benign. This variant is a silent/synonymous amino acid change and it is not expected to impact splicing.

Ambry Genetics
Classification: Likely benign for Hereditary cancer-predisposing syndrome. Last evaluated: 2020-03-04. Review status: criteria provided, single submitter. Criteria: Ambry Variant Classification Scheme 2023. Collection method: clinical testing. Allele origin: germline.

Labcorp Genetics (formerly Invitae), Labcorp
Classification: Likely benign for Familial cancer of breast; Fanconi anemia complementation group J. Last evaluated: 2018-05-01. Review status: criteria provided, single submitter. Criteria: Invitae Variant Classification Sherloc (09022015). Collection method: clinical testing. Allele origin: germline.

NM_032043.3(BRIP1):c.366A>T (p.Ser122=)

Gene: BRIP1 (BRCA1 interacting DNA helicase 1; minus strand). Cytogenetic location: 17q23.2.
Variant type: single nucleotide variant.
Coding change: c.366A>T on transcript NM_032043.3 (MANE Select); coding-DNA position 366, A replaced by T.
Protein change: p.Ser122=; no amino-acid change (serine 122 retained).
Molecular consequence: synonymous variant.
Genome position (GRCh38, 1-based): chr17:61,857,071, T>A on the plus strand (A>T on the coding strand, the complement: BRIP1 is on the minus strand). VCF-style: chr17-61857071-T-A. GRCh37 (hg19) VCF-style: chr17-59934432-T-A.
Identifiers: ClinVar variation 760627 (VCV000760627.13), dbSNP rs1603366194, ClinGen allele CA501151199.